The following is an entry in ClinVar:

ClinVar aggregate classification (germline): Likely pathogenic. Review status: criteria provided, multiple submitters, no conflicts (2 of 4 stars). 2 submissions from 2 submitters: Likely pathogenic (2). Last evaluated 2026-07-08.

Conditions:
Hereditary breast ovarian cancer syndrome. Also called: Hereditary breast and ovarian cancer syndrome; Breast and ovarian cancer; Hereditary breast and/or ovarian cancer syndrome; Hereditary breast and ovarian cancer syndrome (HBOC); Hereditary breast and ovarian cancer; BRCA1- and BRCA2-Associated Hereditary Breast and Ovarian Cancer. Identifiers: Orphanet 145, MedGen C0677776, MeSH D061325, MONDO:0003582. Disease mechanism: loss of function.
Hereditary cancer-predisposing syndrome. Also called: Hereditary Cancer Syndrome; Hereditary neoplastic syndrome; Neoplastic Syndromes, Hereditary; Tumor predisposition. Identifiers: Orphanet 140162, MedGen C0027672, MeSH D009386, MONDO:0015356.

Submissions (2):

Ambry Genetics
Classification: Likely pathogenic for Hereditary cancer-predisposing syndrome. Last evaluated: 2026-07-08. Review status: criteria provided, single submitter. Criteria: Ambry Variant Classification Scheme 2023. Collection method: clinical testing. Allele origin: germline.
Comment: The c.209_212+10del14ins30 variant results from a deletion of 14 nucleotides between positions c.209 and c.212+10 and the insertion of 30 nucleotides. This alteration involves the canonical splice donor site after coding exon 3 of the BRCA1 gene. The canonical splice donor site is highly conserved in available vertebrate species. In silico splice site analysis predicts that this alteration will weaken the native splice donor site. RNA studies have demonstrated that this variant results in abnormal splicing in the set of samples tested (Ambry internal data). Based on the majority of available evidence to date, this variant is likely to be pathogenic.

Labcorp Genetics (formerly Invitae), Labcorp
Classification: Likely pathogenic for Hereditary breast ovarian cancer syndrome. Last evaluated: 2025-12-05. Review status: criteria provided, single submitter. Criteria: Invitae Variant Classification Sherloc (09022015). Collection method: clinical testing. Allele origin: germline.
Comment: This variant results in the deletion of part of exon 4 (c.209_212+10delins30) of the BRCA1 gene. RNA analysis indicates that this variant induces altered splicing and may result in an absent or altered protein product. This variant is not present in population databases (gnomAD no frequency). This variant has not been reported in the literature in individuals affected with BRCA1-related conditions. Studies have shown that this variant results in activation of a cryptic splice site and skipping of exon 4, and produces a non-functional protein and/or introduces a premature termination codon (internal data). In summary, the currently available evidence indicates that the variant is pathogenic, but additional data are needed to prove that conclusively. Therefore, this variant has been classified as Likely Pathogenic.

NM_007294.4(BRCA1):c.209_212+10delinsTTCTTACATAATGATGCTAGGTTGGAATAA

Gene: BRCA1 (BRCA1 DNA repair associated; minus strand). Cytogenetic location: 17q21.31.
Variant type: Indel.
Coding change: c.209_212+10delinsTTCTTACATAATGATGCTAGGTTGGAATAA on transcript NM_007294.4 (MANE Select); coding-DNA position 209 through 10 bases into the intron after coding-DNA position 212, AAAGGTATATAATT replaced by TTCTTACATAATGATGCTAGGTTGGAATAA.
Molecular consequence: splice donor variant. On other transcripts: intron variant (95).
Genome position (GRCh38, 1-based): chr17:43,106,446-43,106,459, AATTATATACCTTT replaced by TTATTCCAACCTAGCATCATTATGTAAGAA on the plus strand (AAAGGTATATAATT replaced by TTCTTACATAATGATGCTAGGTTGGAATAA on the coding strand, the reverse complement: BRCA1 is on the minus strand). GRCh37 (hg19): chr17:41,258,463-41,258,476.
Other names: c.209_212+10del14insTTCTTACATAATGATGCTAGGTTGGAATAA (NM_007294.3); c.68_71+10delinsTTCTTACATAATGATGCTAGGTTGGAATAA (NM_001408458.1, NM_001407931.1, NM_001407747.1 and 99 more transcripts); c.-218-11599_-218-11586delinsTTCTTACATAATGATGCTAGGTTGGAATAA (NM_001407967.1, NM_001407966.1); c.-169-1503_-169-1490delinsTTCTTACATAATGATGCTAGGTTGGAATAA (NM_001407959.1, NM_001407962.1, NM_001408512.1 and 4 more transcripts); c.2+19_2+32delinsTTCTTACATAATGATGCTAGGTTGGAATAA (NM_001407885.1, NM_001407886.1, NM_001407898.1 and 58 more transcripts); c.209_212+10delinsTTCTTACATAATGATGCTAGGTTGGAATAA (NM_001407686.1, NM_001408397.1, NM_001407632.1 and 167 more transcripts); c.81-1503_81-1490delinsTTCTTACATAATGATGCTAGGTTGGAATAA (NM_001408451.1); c.135-1503_135-1490delinsTTCTTACATAATGATGCTAGGTTGGAATAA (NM_001408475.1, NM_001407875.1, NM_001407659.1 and 21 more transcripts).
Identifiers: ClinVar variation 4731626 (VCV004731626.2).
Genomic context (GRCh38, chr17:43,106,446, plus strand): 5'-GTTATTAAATAATTTCTACTTTTTCCTACTGTGGTTGCTTCCAACCTAGCATCATTACCA[AATTATATACCTTT>TTATTCCAACCTAGCATCATTATGTAAGAA]TGGTTATATCATTCTTACATAAAGGACACTGTGAAGGCCCTTTCTTCTGGTTGAGAAGTT-3'